The following is an entry in ClinVar:

ClinVar aggregate classification (germline): Conflicting classifications of pathogenicity. Review status: criteria provided, conflicting classifications (1 of 4 stars). 9 submissions from 9 submitters: Uncertain significance (8); Likely benign (1). Last evaluated 2026-01-11.

Conditions:
Familial adenomatous polyposis 2. Also called: FAP type 2; MUTYH Polyposis; MUTYH-related attenuated familial adenomatous polyposis; COLORECTAL ADENOMATOUS POLYPOSIS, AUTOSOMAL RECESSIVE; ADENOMAS, MULTIPLE COLORECTAL, AUTOSOMAL RECESSIVE; Adenomas, multiple colorectal. Identifiers: Orphanet 220460, Orphanet 247798, MedGen C3272841, MONDO:0012041, OMIM 608456.
Hereditary cancer-predisposing syndrome. Also called: Tumor predisposition; Hereditary neoplastic syndrome; Neoplastic Syndromes, Hereditary; Hereditary Cancer Syndrome. Identifiers: Orphanet 140162, MedGen C0027672, MeSH D009386, MONDO:0015356.

Allele frequency attached by ClinVar (database versions not stated): gnomAD exomes below 0.00001 and 0.00001; gnomAD 0.00001; TOPMed 0.00003.
gnomAD v4.1: 6 of 1,609,616 alleles (0.00037%); highest among the groups gnomAD compares: African/African-American, 0.0067%; no homozygotes.

Submissions (9):

Labcorp Genetics (formerly Invitae), Labcorp
Classification: Uncertain significance for Familial adenomatous polyposis 2. Last evaluated: 2026-01-11. Review status: criteria provided, single submitter. Criteria: Invitae Variant Classification Sherloc (09022015). Collection method: clinical testing. Allele origin: germline.
Comment: This sequence change replaces cysteine, which is neutral and slightly polar, with glycine, which is neutral and non-polar, at codon 505 of the MUTYH protein (p.Cys505Gly). The frequency data for this variant in the population databases is considered unreliable, as metrics indicate poor data quality at this position in the gnomAD database. This variant has not been reported in the literature in individuals affected with MUTYH-related conditions. ClinVar contains an entry for this variant (Variation ID: 238339). An algorithm developed to predict the effect of missense changes on protein structure and function outputs the following: PolyPhen-2: "Benign". The glycine amino acid residue is found in multiple mammalian species, which suggests that this missense change does not adversely affect protein function. In summary, the available evidence is currently insufficient to determine the role of this variant in disease. Therefore, it has been classified as a Variant of Uncertain Significance.

Ambry Genetics
Classification: Likely benign for Hereditary cancer-predisposing syndrome. Last evaluated: 2025-09-09. Review status: criteria provided, single submitter. Criteria: Ambry Variant Classification Scheme 2023. Collection method: clinical testing. Allele origin: germline.

All of Us Research Program, National Institutes of Health
Classification: Uncertain significance for Familial adenomatous polyposis 2. Last evaluated: 2024-08-06. Review status: criteria provided, single submitter. Criteria: ACMG Guidelines, 2015. Collection method: clinical testing. Allele origin: germline. Inheritance: Autosomal recessive inheritance. Observed: 2 variant alleles, 2 heterozygotes.
Comment: This missense variant replaces cysteine with glycine at codon 505 of the MUTYH protein. Computational prediction suggests that this variant may not impact protein structure and function (internally defined REVEL score threshold <= 0.5, PMID: 27666373). To our knowledge, functional studies have not been reported for this variant. This variant has not been reported in individuals affected with hereditary cancer in the literature. This variant has been identified in 2/243216 chromosomes in the general population by the Genome Aggregation Database (gnomAD). The available evidence is insufficient to determine the role of this variant in disease conclusively. Therefore, this variant is classified as a Variant of Uncertain Significance.

This study involves interpretation of variants in research participants for the purpose of population health screening. Participant phenotype was not available at the time of variant classification. Additional details can be found in publication PMID: 35346344, PMCID: PMC8962531

Color Diagnostics, LLC DBA Color Health
Classification: Uncertain significance for Hereditary cancer-predisposing syndrome. Last evaluated: 2024-03-06. Review status: criteria provided, single submitter. Criteria: ACMG Guidelines, 2015. Collection method: clinical testing. Allele origin: germline.
Comment: This missense variant replaces cysteine with glycine at codon 505 of the MUTYH protein. Computational prediction suggests that this variant may not impact protein structure and function (internally defined REVEL score threshold <= 0.5, PMID: 27666373). To our knowledge, functional studies have not been reported for this variant. This variant has not been reported in individuals affected with hereditary cancer in the literature. This variant has been identified in 2/243216 chromosomes in the general population by the Genome Aggregation Database (gnomAD). The available evidence is insufficient to determine the role of this variant in disease conclusively. Therefore, this variant is classified as a Variant of Uncertain Significance.

Baylor Genetics
Classification: Uncertain significance for Familial adenomatous polyposis 2. Last evaluated: 2024-02-23. Review status: criteria provided, single submitter. Criteria: ACMG Guidelines, 2015. Collection method: clinical testing. Allele origin: unknown.

GeneDx
Classification: Uncertain significance. Last evaluated: 2023-03-15. Review status: criteria provided, single submitter. Criteria: GeneDx Variant Classification Process June 2021. Collection method: clinical testing. Allele origin: germline. Affected: yes.
Comment: Not observed at significant frequency in large population cohorts (gnomAD); In silico analysis, which includes protein predictors and evolutionary conservation, supports that this variant does not alter protein structure/function; Has not been previously published as pathogenic or benign to our knowledge; This variant is associated with the following publications: (PMID: 11092888, 23108399)

Revvity Omics, Revvity
Classification: Uncertain significance for Familial adenomatous polyposis 2. Last evaluated: 2019-12-19. Review status: criteria provided, single submitter. Criteria: ACMG Guidelines, 2015. Collection method: clinical testing. Allele origin: germline.

Quest Diagnostics Nichols Institute San Juan Capistrano
Classification: Uncertain significance. Last evaluated: 2019-05-03. Review status: criteria provided, single submitter. Criteria: Quest Diagnostics criteria. Collection method: clinical testing. Allele origin: germline.

Women's Health and Genetics/Laboratory Corporation of America, LabCorp
Classification: Uncertain significance. Last evaluated: 2016-07-15. Review status: criteria provided, single submitter. Criteria: LabCorp Variant Classification Summary - May 2015. Collection method: clinical testing. Allele origin: germline.
Comment: Variant summary: The MUTYH c.1513T>G (p.Cys505Gly) variant causes a missense change involving a non-conserved nucleotide with 3/4 in silico tools (SNPs&GO not captured due to low reliability index) predicting a "benign" outcome, although these predictions have yet to be functionally assessed. The variant of interest was not observed in controls (ExAC, 1000 Gs or ESP), nor has it been, to our knowledge, reported in affected individuals via publications. However, a clinical laboratory does cite the variant as "uncertain significance." Therefore, taking all available lines of evidence into consideration, the variant of interest has been classified as a "Variant of Uncertain Significance (VUS)," until additional information is available.

NM_001048174.2(MUTYH):c.1429T>G (p.Cys477Gly)

Gene: MUTYH (mutY DNA glycosylase; minus strand). Cytogenetic location: 1p34.1.
Variant type: single nucleotide variant.
Coding change: c.1429T>G on transcript NM_001048174.2 (MANE Select); coding-DNA position 1429, T replaced by G.
Protein change: p.Cys477Gly; replaces cysteine 477 with glycine.
Molecular consequence: missense variant. On other transcripts: non-coding transcript variant (2).
Genome position (GRCh38, 1-based): chr1:45,330,521, A>C on the plus strand (T>G on the coding strand, the complement: MUTYH is on the minus strand). VCF-style: chr1-45330521-A-C. GRCh37 (hg19) VCF-style: chr1-45796193-A-C.
Other names: c.1429T>G, p.Cys477Gly (NM_001048171.2, NM_001048173.2, NM_001293195.2); c.1432T>G, p.Cys478Gly (NM_001048172.2); c.1513T>G, p.Cys505Gly (NM_001128425.2); c.1474T>G, p.Cys492Gly (NM_001293190.2); c.1462T>G, p.Cys488Gly (NM_001293191.2); c.1153T>G, p.Cys385Gly (NM_001293192.2, NM_001293196.2); c.1084T>G, p.Cys362Gly (NM_001350650.2, NM_001350651.2); c.1504T>G, p.Cys502Gly (NM_012222.3); short protein forms C505G, C488G, C478G, C362G, C385G, C477G, C502G, C492G.
Identifiers: ClinVar variation 238339 (VCV000238339.31), dbSNP rs876659488, ClinGen allele CA10581800.